The following is an entry in ClinVar:

NM_006514.4(SCN10A):c.3474C>G (p.Ile1158Met)

Genes: SCN10A (sodium voltage-gated channel alpha subunit 10; minus strand), LOC110121288 (VISTA enhancer hs2268; plus strand). Cytogenetic location: 3p22.2.
Variant type: single nucleotide variant.
Coding change: c.3474C>G on transcript NM_006514.4 (MANE Select); coding-DNA position 3474, C replaced by G.
Protein change: p.Ile1158Met; replaces isoleucine 1158 with methionine.
Molecular consequence: missense variant.
Genome position (GRCh38, 1-based): chr3:38,722,291, G>C on the plus strand (C>G on the coding strand, the complement: SCN10A is on the minus strand). VCF-style: chr3-38722291-G-C. GRCh37 (hg19) VCF-style: chr3-38763782-G-C.
Other names: c.3471C>G, p.Ile1157Met (NM_001293306.2); c.3180C>G, p.Ile1060Met (NM_001293307.2); short protein forms I1158M, I1157M, I1060M.
Identifiers: ClinVar variation 373688 (VCV000373688.16), dbSNP rs145568435, ClinGen allele CA2320227.

ClinVar aggregate classification (germline): Conflicting classifications of pathogenicity. Review status: criteria provided, conflicting classifications (1 of 4 stars). 6 submissions from 5 submitters: Uncertain significance (4); Likely benign (1). 1 of the submissions does not count toward it. Last evaluated 2025-08-24.

Conditions:
Cardiovascular phenotype. Identifiers: MedGen CN230736.
Episodic pain syndrome, familial, 2 (FEPS2). Identifiers: Orphanet 306577, MedGen C3809893, MONDO:0014246, OMIM 615551.
Brugada syndrome. Also called: Sudden unexplained nocturnal death syndrome; Sudden Unexplained Death Syndrome; Sudden Unexplained Nocturnal Death Syndrome (SUNDS); Sudden unexpected nocturnal death syndrome. Identifiers: Orphanet 130, MedGen C1142166, MONDO:0015263.

Allele frequency attached by ClinVar (database versions not stated): gnomAD 0.00002; TOPMed 0.00003; ExAC 0.00006; gnomAD exomes 0.00008; ESP Exome Variant Server 0.00015.
gnomAD v4.1: 121 of 1,613,994 alleles (0.0075%); highest among the groups gnomAD compares: Non-Finnish European, 0.0096%; no homozygotes.

Submissions (6):

Labcorp Genetics (formerly Invitae), Labcorp
Classification: Uncertain significance for Brugada syndrome. Last evaluated: 2025-08-24. Review status: criteria provided, single submitter. Criteria: Invitae Variant Classification Sherloc (09022015). Collection method: clinical testing. Allele origin: germline.
Comment: This sequence change replaces isoleucine, which is neutral and non-polar, with methionine, which is neutral and non-polar, at codon 1158 of the SCN10A protein (p.Ile1158Met). This variant is present in population databases (rs145568435, gnomAD 0.01%). This variant has not been reported in the literature in individuals affected with SCN10A-related conditions. ClinVar contains an entry for this variant (Variation ID: 373688). Invitae Evidence Modeling of protein sequence and biophysical properties (such as structural, functional, and spatial information, amino acid conservation, physicochemical variation, residue mobility, and thermodynamic stability) indicates that this missense variant is not expected to disrupt SCN10A protein function with a negative predictive value of 80%. In summary, the available evidence is currently insufficient to determine the role of this variant in disease. Therefore, it has been classified as a Variant of Uncertain Significance.

Fulgent Genetics
Classification: Uncertain significance for Episodic pain syndrome, familial, 2. Last evaluated: 2021-08-26. Review status: criteria provided, single submitter. Criteria: ACMG Guidelines, 2015. Collection method: clinical testing. Allele origin: unknown.

Ambry Genetics
Classification: Likely benign for Cardiovascular phenotype. Last evaluated: 2021-03-03. Review status: criteria provided, single submitter. Criteria: Ambry Variant Classification Scheme 2023. Collection method: clinical testing. Allele origin: germline.

GeneDx
Classification: Uncertain significance. Last evaluated: 2019-11-25. Review status: criteria provided, single submitter. Criteria: GeneDx Variant Classification Process June 2021. Collection method: clinical testing. Allele origin: germline. Affected: yes.
Comment: Has not been previously published as pathogenic or benign to our knowledge; In silico analysis, which includes protein predictors and evolutionary conservation, supports a deleterious effect

Mayo Clinic Laboratories, Mayo Clinic
Classification: Uncertain significance. Last evaluated: 2019-09-02. Review status: criteria provided, single submitter. Criteria: ACMG Guidelines, 2015. Collection method: clinical testing. Allele origin: germline. Observed: 1 variant allele.

GeneDx
Classification: Uncertain significance. Last evaluated: 2016-12-06. Review status: flagged submission. Criteria: GeneDx Variant Classification (06012015). Collection method: clinical testing. Allele origin: germline. Affected: yes. Not counted in ClinVar's aggregate classification.
Comment: A variant of uncertain significance has been identified in the SCN10A gene. The I1158M variant has not been published as a pathogenic variant or been reported as a benign variant to our knowledge. This variant was not observed with any significant frequency in both the Exome Aggregation Consortium and in approximately 6,500 individuals of European and African American ancestry in the NHLBI Exome Sequencing Project, indicating it is not a common benign variant in these populations. Additionally, in silico analysis predicts the I1158M variant is probably damaging to the protein structure/function. Nevertheless, this variant is a conservative amino acid substitution, which is not likely to impact secondary protein structure as these residues share similar properties, and it occurs at a position where amino acids with similar properties to Isoleucine are tolerated across species.Therefore, based on the currently available information, it is unclear whether this variant is pathogenic or benign. This result cannot be interpreted for diagnosis or used for family member screening at this time.
ClinVar note: Reason: This record appears to be redundant with a more recent record from the same submitter.
ClinVar note: Notes: SCV000492304 appears to be redundant with SCV001790551.